The following is an entry in ClinVar:

ClinVar aggregate classification (germline): Benign (0 of 4 stars; one submission).

Conditions:
LINGO1-related disorder. Also called: LINGO1-related condition.

Allele frequency attached by ClinVar (database versions not stated): ESP Exome Variant Server 0.00090; gnomAD 0.00356; TOPMed 0.00512; 1000 Genomes Project 0.01178; 1000 Genomes Project 30x 0.01218; ExAC 0.02123.
gnomAD v4.1: 3,695 of 1,461,004 alleles (0.25%); highest among the groups gnomAD compares: East Asian, 3.4%; 46 homozygotes.

Submission:

PreventionGenetics, part of Exact Sciences
Classification: Benign for LINGO1-related condition. Last evaluated: 2019-03-20. Review status: no assertion criteria provided. Collection method: clinical testing. Allele origin: germline.
Comment: This variant is classified as benign based on ACMG/AMP sequence variant interpretation guidelines (Richards et al. 2015 PMID: 25741868, with internal and published modifications).

NM_032808.7(LINGO1):c.7-9C>T

Gene: LINGO1 (leucine rich repeat and Ig domain containing 1; minus strand). Cytogenetic location: 15q24.3.
Variant type: single nucleotide variant.
Coding change: c.7-9C>T on transcript NM_032808.7 (MANE Select); 9 bases into the intron before coding-DNA position 7, C replaced by T.
Molecular consequence: intron variant.
Genome position (GRCh38, 1-based): chr15:77,615,909, G>A on the plus strand (C>T on the coding strand, the complement: LINGO1 is on the minus strand). VCF-style: chr15-77615909-G-A. GRCh37 (hg19) VCF-style: chr15-77908251-G-A.
Other names: c.-12-9C>T (NM_001301186.2, NM_001301187.2, NM_001301189.2 and 8 more transcripts).
Identifiers: ClinVar variation 3056021 (VCV003056021.2), dbSNP rs76669376, ClinGen allele CA7678049.